The following is an entry in ClinVar:

ClinVar aggregate classification (germline): Likely benign (1 of 4 stars; one submission).

Allele frequency attached by ClinVar (database versions not stated): 1000 Genomes Project 30x 0.00031; gnomAD 0.00164.
gnomAD v4.1: 2,431 of 1,534,956 alleles (0.16%); highest among the groups gnomAD compares: Non-Finnish European, 0.17%; 3 homozygotes.

Submission:

CeGaT Center for Human Genetics Tuebingen
Classification: Likely benign. Last evaluated: 2023-04-01. Review status: criteria provided, single submitter. Criteria: CeGaT Center For Human Genetics Tuebingen Variant Classification Criteria Version 2. Collection method: clinical testing. Allele origin: germline. Affected: yes. Observed: 2 variant alleles.
Comment: SPDYE5: BP4, BP7

NM_001306141.4(SPDYE5):c.147G>T (p.Val49=)

Gene: SPDYE5 (speedy/RINGO cell cycle regulator family member E5; plus strand). Cytogenetic location: 7q11.23.
Variant type: single nucleotide variant.
Coding change: c.147G>T on transcript NM_001306141.4 (MANE Select); coding-DNA position 147, G replaced by T.
Protein change: p.Val49=; no amino-acid change (valine 49 retained).
Molecular consequence: synonymous variant.
Genome position (GRCh38, 1-based): chr7:75,494,194, G>T. VCF-style: chr7-75494194-G-T. GRCh37 (hg19) VCF-style: chr7-75123514-G-T.
Identifiers: ClinVar variation 2657613 (VCV002657613.24), dbSNP rs781868230, ClinGen allele CA159886919.